The following is an entry in ClinVar:

NM_006206.6(PDGFRA):c.1067T>C (p.Leu356Pro)

Gene: PDGFRA (platelet derived growth factor receptor alpha; plus strand). Cytogenetic location: 4q12.
Variant type: single nucleotide variant.
Coding change: c.1067T>C on transcript NM_006206.6 (MANE Select); coding-DNA position 1067, T replaced by C.
Protein change: p.Leu356Pro; replaces leucine 356 with proline.
Molecular consequence: missense variant.
Genome position (GRCh38, 1-based): chr4:54,267,687, T>C. VCF-style: chr4-54267687-T-C. GRCh37 (hg19) VCF-style: chr4-55133854-T-C.
Other names: c.1067T>C, p.Leu356Pro (NM_001347827.2, NM_001347829.2); c.1142T>C, p.Leu381Pro (NM_001347828.2); c.1106T>C, p.Leu369Pro (NM_001347830.2); short protein forms L356P, L369P, L381P.
Identifiers: ClinVar variation 1483892 (VCV001483892.8), dbSNP rs2110267420, ClinGen allele CA356891724.

ClinVar aggregate classification (germline): Uncertain significance (1 of 4 stars; one submission).

Conditions:
Gastrointestinal stromal tumor. Also called: Gastrointestinal stroma tumor; Gastrointestinal stromal tumor, somatic. Identifiers: Orphanet 44890, MedGen C0238198, MeSH D046152, MONDO:0011719, OMIM 606764, HP:0100723.

Allele frequency attached by ClinVar (database versions not stated): gnomAD 0.00001.
gnomAD v4.1: 2 of 1,613,938 alleles (0.00012%); highest among the groups gnomAD compares: East Asian, 0.0022%; no homozygotes.

Submission:

Labcorp Genetics (formerly Invitae), Labcorp
Classification: Uncertain significance for Gastrointestinal stromal tumor. Last evaluated: 2023-12-26. Review status: criteria provided, single submitter. Criteria: Invitae Variant Classification Sherloc (09022015). Collection method: clinical testing. Allele origin: germline.
Comment: This sequence change replaces leucine, which is neutral and non-polar, with proline, which is neutral and non-polar, at codon 356 of the PDGFRA protein (p.Leu356Pro). This variant is not present in population databases (gnomAD no frequency). This variant has not been reported in the literature in individuals affected with PDGFRA-related conditions. ClinVar contains an entry for this variant (Variation ID: 1483892). Advanced modeling of protein sequence and biophysical properties (such as structural, functional, and spatial information, amino acid conservation, physicochemical variation, residue mobility, and thermodynamic stability) performed at Invitae indicates that this missense variant is not expected to disrupt PDGFRA protein function with a negative predictive value of 80%. In summary, the available evidence is currently insufficient to determine the role of this variant in disease. Therefore, it has been classified as a Variant of Uncertain Significance.